The following is an entry in ClinVar:

ClinVar aggregate classification (germline): Uncertain significance (1 of 4 stars; one submission).

Submission:

GeneDx
Classification: Uncertain significance. Last evaluated: 2023-10-27. Review status: criteria provided, single submitter. Criteria: GeneDx Variant Classification Process June 2021. Collection method: clinical testing. Allele origin: germline. Affected: yes.
Comment: Not observed at significant frequency in large population cohorts (gnomAD); In silico analysis supports that this missense variant has a deleterious effect on protein structure/function; Has not been previously published as pathogenic or benign to our knowledge

NM_000342.4(SLC4A1):c.1460T>C (p.Ile487Thr)

Gene: SLC4A1 (solute carrier family 4 member 1 (Diego blood group); minus strand). Cytogenetic location: 17q21.31.
Variant type: single nucleotide variant.
Coding change: c.1460T>C on transcript NM_000342.4 (MANE Select); coding-DNA position 1460, T replaced by C.
Protein change: p.Ile487Thr; replaces isoleucine 487 with threonine.
Molecular consequence: missense variant.
Genome position (GRCh38, 1-based): chr17:44,257,516, A>G on the plus strand (T>C on the coding strand, the complement: SLC4A1 is on the minus strand). VCF-style: chr17-44257516-A-G. GRCh37 (hg19) VCF-style: chr17-42334884-A-G.
Other names: short protein forms I487T.
Identifiers: ClinVar variation 3363462 (VCV003363462.1).